The following is an entry in ClinVar:

ClinVar aggregate classification (germline): Likely benign. Review status: criteria provided, single submitter (1 of 4 stars). 2 submissions from 2 submitters: Likely benign (1). 1 of the submissions does not count toward it. Last evaluated 2024-08-15.

Conditions:
B4GALNT1-related disorder. Also called: B4GALNT1-related condition.
Spastic paraplegia. Identifiers: MedGen C0037772, HP:0001258.

Allele frequency attached by ClinVar (database versions not stated): gnomAD exomes below 0.00001; gnomAD 0.00001; TOPMed 0.00001; ExAC 0.00002.
gnomAD v4.1: 20 of 1,614,206 alleles (0.0012%); highest among the groups gnomAD compares: East Asian, 0.0067%; no homozygotes.

Submissions (2):

Labcorp Genetics (formerly Invitae), Labcorp
Classification: Likely benign for Spastic paraplegia. Last evaluated: 2024-08-15. Review status: criteria provided, single submitter. Criteria: Invitae Variant Classification Sherloc (09022015). Collection method: clinical testing. Allele origin: germline.

PreventionGenetics, part of Exact Sciences
Classification: Likely benign for B4GALNT1-related condition. Last evaluated: 2019-05-24. Review status: no assertion criteria provided. Collection method: clinical testing. Allele origin: germline. Not counted in ClinVar's aggregate classification.
Comment: This variant is classified as likely benign based on ACMG/AMP sequence variant interpretation guidelines (Richards et al. 2015 PMID: 25741868, with internal and published modifications).

NM_001478.5(B4GALNT1):c.684A>G (p.Arg228=)

Gene: B4GALNT1 (beta-1,4-N-acetyl-galactosaminyltransferase 1; minus strand). Cytogenetic location: 12q13.3.
Variant type: single nucleotide variant.
Coding change: c.684A>G on transcript NM_001478.5 (MANE Select); coding-DNA position 684, A replaced by G.
Protein change: p.Arg228=; no amino-acid change (arginine 228 retained).
Molecular consequence: synonymous variant. On other transcripts: 5 prime UTR variant (4).
Genome position (GRCh38, 1-based): chr12:57,630,180, T>C on the plus strand (A>G on the coding strand, the complement: B4GALNT1 is on the minus strand). VCF-style: chr12-57630180-T-C. GRCh37 (hg19) VCF-style: chr12-58023963-T-C.
Other names: c.684A>G (NM_001478.4); c.519A>G, p.Arg173= (NM_001276468.2, NM_001413978.1); c.684A>G, p.Arg228= (NM_001276469.2, NM_001413967.1, NM_001413968.1 and 9 more transcripts); c.-304A>G (NM_001413981.1, NM_001413982.1, NM_001413983.1 and 1 more transcripts).
Identifiers: ClinVar variation 2148928 (VCV002148928.6), dbSNP rs761607770, ClinGen allele CA6655705.